The following is an entry in ClinVar:

ClinVar aggregate classification (germline): Uncertain significance (1 of 4 stars; one submission).

Conditions:
Hereditary cancer-predisposing syndrome. Also called: Tumor predisposition; Neoplastic Syndromes, Hereditary; Hereditary neoplastic syndrome; Hereditary Cancer Syndrome. Identifiers: Orphanet 140162, MedGen C0027672, MeSH D009386, MONDO:0015356.

Submission:

Ambry Genetics
Classification: Uncertain significance for Hereditary cancer-predisposing syndrome. Last evaluated: 2025-08-27. Review status: criteria provided, single submitter. Criteria: Ambry Variant Classification Scheme 2023. Collection method: clinical testing. Allele origin: germline.
Comment: The p.A46T variant (also known as c.136G>A), located in coding exon 2 of the MUTYH gene, results from a G to A substitution at nucleotide position 136. The alanine at codon 46 is replaced by threonine, an amino acid with similar properties. This amino acid position is conserved. In addition, this alteration is predicted to be tolerated by in silico analysis. Based on the available evidence, the clinical significance of this variant remains unclear.

NM_001048174.2(MUTYH):c.94G>A (p.Ala32Thr)

Gene: MUTYH (mutY DNA glycosylase; minus strand). Cytogenetic location: 1p34.1.
Variant type: single nucleotide variant.
Coding change: c.94G>A on transcript NM_001048174.2 (MANE Select); coding-DNA position 94, G replaced by A.
Protein change: p.Ala32Thr; replaces alanine 32 with threonine.
Molecular consequence: missense variant. On other transcripts: non-coding transcript variant (7), 5 prime UTR variant (7).
Genome position (GRCh38, 1-based): chr1:45,334,412, C>T on the plus strand (G>A on the coding strand, the complement: MUTYH is on the minus strand). VCF-style: chr1-45334412-C-T. GRCh37 (hg19) VCF-style: chr1-45800084-C-T.
Other names: c.94G>A, p.Ala32Thr (NM_001407085.1, NM_001407086.1, NM_001407088.1 and 15 more transcripts); c.112G>A, p.Ala38Thr (NM_001407087.1); c.-119G>A (NM_001407091.1, NM_001293192.2, NM_001293196.2); c.136G>A, p.Ala46Thr (NM_012222.3, NM_001128425.2, NM_001293190.2 and 2 more transcripts); c.-114G>A (NM_001407082.1, NM_001350651.2); c.-178G>A (NM_001350650.2); c.-63G>A (NM_001407075.1); short protein forms A38T, A32T, A46T.
Identifiers: ClinVar variation 4113194 (VCV004113194.1).